The following is an entry in ClinVar:

ClinVar aggregate classification (germline): Uncertain significance (1 of 4 stars; one submission).

gnomAD v4.1: 1 of 1,610,036 alleles (0.000062%); highest among the groups gnomAD compares: African/African-American, 0.0013%; no homozygotes.

Submission:

Labcorp Genetics (formerly Invitae), Labcorp
Classification: Uncertain significance. Last evaluated: 2024-02-01. Review status: criteria provided, single submitter. Criteria: Invitae Variant Classification Sherloc (09022015). Collection method: clinical testing. Allele origin: germline.
Comment: This sequence change replaces leucine, which is neutral and non-polar, with valine, which is neutral and non-polar, at codon 276 of the CA4 protein (p.Leu276Val). This variant is present in population databases (no rsID available, gnomAD 0.01%). This variant has not been reported in the literature in individuals affected with CA4-related conditions. Advanced modeling of protein sequence and biophysical properties (such as structural, functional, and spatial information, amino acid conservation, physicochemical variation, residue mobility, and thermodynamic stability) performed at Invitae indicates that this missense variant is not expected to disrupt CA4 protein function with a negative predictive value of 80%. Algorithms developed to predict the effect of sequence changes on RNA splicing suggest that this variant may create or strengthen a splice site. In summary, the available evidence is currently insufficient to determine the role of this variant in disease. Therefore, it has been classified as a Variant of Uncertain Significance.

NM_000717.5(CA4):c.826C>G (p.Leu276Val)

Gene: CA4 (carbonic anhydrase 4; plus strand). Cytogenetic location: 17q23.1.
Variant type: single nucleotide variant.
Coding change: c.826C>G on transcript NM_000717.5 (MANE Select); coding-DNA position 826, C replaced by G.
Protein change: p.Leu276Val; replaces leucine 276 with valine.
Molecular consequence: missense variant. On other transcripts: non-coding transcript variant (1).
Genome position (GRCh38, 1-based): chr17:60,159,311, C>G. VCF-style: chr17-60159311-C-G. GRCh37 (hg19) VCF-style: chr17-58236672-C-G.
Other names: short protein forms L276V.
Identifiers: ClinVar variation 3621649 (VCV003621649.2).
Genomic context (GRCh38, chr17:60,159,311, plus strand): 5'-CTGTACTACGACAAGGAACAGACAGTGAGCATGAAGGACAATGTCAGGCCCCTGCAGCAG[C>G]TGGGGCAGCGCACGGTGATAAAGTCCGGGGCCCCGGGTCGGCCGCTGCCCTGGGCCCTGC-3'
Protein context (NP_000708.1, residues 266-286): MKDNVRPLQQ[Leu276Val]GQRTVIKSGA